The following is an entry in ClinVar:

NM_000143.4(FH):c.440C>G (p.Thr147Ser)

Gene: FH (fumarate hydratase; minus strand). Cytogenetic location: 1q43.
Variant type: single nucleotide variant.
Coding change: c.440C>G on transcript NM_000143.4 (MANE Select); coding-DNA position 440, C replaced by G.
Protein change: p.Thr147Ser; replaces threonine 147 with serine.
Molecular consequence: missense variant.
Genome position (GRCh38, 1-based): chr1:241,512,082, G>C on the plus strand (C>G on the coding strand, the complement: FH is on the minus strand). VCF-style: chr1-241512082-G-C. GRCh37 (hg19) VCF-style: chr1-241675382-G-C.
Other names: short protein forms T147S.
Identifiers: ClinVar variation 4257334 (VCV004257334.1).
Genomic context (GRCh38, chr1:241,512,082, plus strand): 5'-CCTCCTAACATTTCAATTGCTCTATTGCTAATGACTTCATTTACATTCATATTTGTCTGA[G>C]TTCCTGATCCAGTCTGCCATACCACGAGAGGAAAATGATCATTTAATTTACCTTCAGCTA-3'
Protein context (NP_000134.2, residues 137-157): PLVVWQTGSG[Thr147Ser]QTNMNVNEVI

ClinVar aggregate classification (germline): Uncertain significance (1 of 4 stars; one submission).

Conditions:
Hereditary cancer-predisposing syndrome. Also called: Hereditary Cancer Syndrome; Hereditary neoplastic syndrome; Neoplastic Syndromes, Hereditary; Tumor predisposition. Identifiers: Orphanet 140162, MedGen C0027672, MeSH D009386, MONDO:0015356.

Submission:

Ambry Genetics
Classification: Uncertain significance for Hereditary cancer-predisposing syndrome. Last evaluated: 2025-07-15. Review status: criteria provided, single submitter. Criteria: Ambry Variant Classification Scheme 2023. Collection method: clinical testing. Allele origin: germline.
Comment: The p.T147S variant (also known as c.440C>G), located in coding exon 4 of the FH gene, results from a C to G substitution at nucleotide position 440. The threonine at codon 147 is replaced by serine, an amino acid with similar properties. This amino acid position is highly conserved in available vertebrate species. In addition, this alteration is predicted to be deleterious by in silico analysis. Based on the available evidence, the clinical significance of this variant remains unclear.